The following is an entry in ClinVar:

NM_198253.3(TERT):c.2908A>C (p.Met970Leu)

Gene: TERT (telomerase reverse transcriptase; minus strand). Cytogenetic location: 5p15.33.
Variant type: single nucleotide variant.
Coding change: c.2908A>C on transcript NM_198253.3 (MANE Select); coding-DNA position 2908, A replaced by C.
Protein change: p.Met970Leu; replaces methionine 970 with leucine.
Molecular consequence: missense variant. On other transcripts: non-coding transcript variant (2).
Genome position (GRCh38, 1-based): chr5:1,260,536, T>G on the plus strand (A>C on the coding strand, the complement: TERT is on the minus strand). VCF-style: chr5-1260536-T-G. GRCh37 (hg19) VCF-style: chr5-1260651-T-G.
Other names: c.2719A>C, p.Met907Leu (NM_001193376.3); short protein forms M907L, M970L.
Identifiers: ClinVar variation 1427502 (VCV001427502.10), dbSNP rs762647113, ClinGen allele CA3184347.

ClinVar aggregate classification (germline): Conflicting classifications of pathogenicity. Review status: criteria provided, conflicting classifications (1 of 4 stars). 4 submissions from 4 submitters: Uncertain significance (3); Likely benign (1). Last evaluated 2025-12-30.

Conditions:
TERT-related disorder. Also called: TERT-related disorders; TERT-related condition.
Idiopathic Pulmonary Fibrosis. Also called: Idiopathic fibrosing alveolitis, chronic form; idiopathic fibrosing alveolitis. Identifiers: Orphanet 2032, MedGen C1800706, MeSH D054990, MONDO:0800504.
Dyskeratosis congenita, autosomal dominant 2. Identifiers: MedGen C3151443, MONDO:0013521, OMIM 613989.
Dyskeratosis congenita. Identifiers: Orphanet 1775, MedGen C0265965, MONDO:0015780.

Allele frequency attached by ClinVar (database versions not stated): gnomAD exomes 0.00002; ExAC 0.00003.
gnomAD v4.1: 14 of 1,614,184 alleles (0.00087%); highest among the groups gnomAD compares: South Asian, 0.015%; no homozygotes.

Submissions (4):

PreventionGenetics, part of Exact Sciences
Classification: Uncertain significance for TERT-related condition. Last evaluated: 2025-12-30. Review status: criteria provided, single submitter. Criteria: ACMG Guidelines, 2015. Collection method: clinical testing. Allele origin: germline.
Comment: The TERT c.2908A>C variant is predicted to result in the amino acid substitution p.Met970Leu. To our knowledge, this variant has not been reported in the literature. This variant is reported in 0.016% of alleles in individuals of South Asian descent in gnomAD. Of note, a different variant impacting the same amino acid (p.Met970Val) has been documented in a hematopoietic stem cell transplantation donor and in the recipient's leukemic cells (Churpek et al. 2012. PubMed ID: 23258901). At this time, the clinical significance of the c.2908A>C (p.Met970Leu) variant is uncertain due to the absence of conclusive functional and genetic evidence.

Ambry Genetics
Classification: Likely benign for Dyskeratosis congenita. Last evaluated: 2025-08-21. Review status: criteria provided, single submitter. Criteria: Ambry Variant Classification Scheme 2023. Collection method: clinical testing. Allele origin: germline.

Revvity Omics, Revvity
Classification: Uncertain significance. Last evaluated: 2023-11-16. Review status: criteria provided, single submitter. Criteria: ACMG Guidelines, 2015. Collection method: clinical testing. Allele origin: germline.

Labcorp Genetics (formerly Invitae), Labcorp
Classification: Uncertain significance for Dyskeratosis congenita, autosomal dominant 2; Idiopathic Pulmonary Fibrosis. Last evaluated: 2022-10-18. Review status: criteria provided, single submitter. Criteria: Invitae Variant Classification Sherloc (09022015). Collection method: clinical testing. Allele origin: germline.
Comment: This sequence change replaces methionine, which is neutral and non-polar, with leucine, which is neutral and non-polar, at codon 970 of the TERT protein (p.Met970Leu). This variant is present in population databases (rs762647113, gnomAD 0.02%). This variant has not been reported in the literature in individuals affected with TERT-related conditions. ClinVar contains an entry for this variant (Variation ID: 1427502). Advanced modeling of protein sequence and biophysical properties (such as structural, functional, and spatial information, amino acid conservation, physicochemical variation, residue mobility, and thermodynamic stability) performed at Invitae indicates that this missense variant is not expected to disrupt TERT protein function. In summary, the available evidence is currently insufficient to determine the role of this variant in disease. Therefore, it has been classified as a Variant of Uncertain Significance.